The following is an entry in ClinVar:

ClinVar aggregate classification (germline): Uncertain significance (1 of 4 stars; one submission).

Allele frequency attached by ClinVar (database versions not stated): TOPMed 0.00006; gnomAD 0.00007.
gnomAD v4.1: 146 of 1,613,790 alleles (0.009%); highest among the groups gnomAD compares: Non-Finnish European, 0.012%; no homozygotes.

Submission:

Labcorp Genetics (formerly Invitae), Labcorp
Classification: Uncertain significance. Last evaluated: 2025-07-10. Review status: criteria provided, single submitter. Criteria: Invitae Variant Classification Sherloc (09022015). Collection method: clinical testing. Allele origin: germline.
Comment: This sequence change replaces isoleucine, which is neutral and non-polar, with threonine, which is neutral and polar, at codon 326 of the HOMER2 protein (p.Ile326Thr). This variant is present in population databases (rs779466414, gnomAD 0.01%). This variant has not been reported in the literature in individuals affected with HOMER2-related conditions. ClinVar contains an entry for this variant (Variation ID: 1475075). An algorithm developed to predict the effect of missense changes on protein structure and function (PolyPhen-2) suggests that this variant is likely to be disruptive. In summary, the available evidence is currently insufficient to determine the role of this variant in disease. Therefore, it has been classified as a Variant of Uncertain Significance.

NM_004839.4(HOMER2):c.977T>C (p.Ile326Thr)

Gene: HOMER2 (homer scaffold protein 2; minus strand). Cytogenetic location: 15q25.2.
Variant type: single nucleotide variant.
Coding change: c.977T>C on transcript NM_004839.4 (MANE Select); coding-DNA position 977, T replaced by C.
Protein change: p.Ile326Thr; replaces isoleucine 326 with threonine.
Molecular consequence: missense variant.
Genome position (GRCh38, 1-based): chr15:82,849,770, A>G on the plus strand (T>C on the coding strand, the complement: HOMER2 is on the minus strand). VCF-style: chr15-82849770-A-G. GRCh37 (hg19) VCF-style: chr15-83518522-A-G.
Other names: c.1010T>C, p.Ile337Thr (NM_199330.3); short protein forms I337T, I326T.
Identifiers: ClinVar variation 1475075 (VCV001475075.8), dbSNP rs779466414, ClinGen allele CA7701948.